The following is an entry in ClinVar:

ClinVar aggregate classification (germline): Uncertain significance (1 of 4 stars; one submission).

Conditions:
46,XY sex reversal 6. Also called: 46,XY GONADAL DYSGENESIS, PARTIAL OR COMPLETE, MAP3K1-RELATED; 46,XY SEX REVERSAL, PARTIAL OR COMPLETE, MAP3K1-RELATED. Identifiers: MedGen C3151064, MONDO:0013410, OMIM 613762.

Submission:

Labcorp Genetics (formerly Invitae), Labcorp
Classification: Uncertain significance for 46,XY sex reversal 6. Last evaluated: 2025-01-23. Review status: criteria provided, single submitter. Criteria: Invitae Variant Classification Sherloc (09022015). Collection method: clinical testing. Allele origin: germline.
Comment: This sequence change replaces lysine, which is basic and polar, with asparagine, which is neutral and polar, at codon 188 of the MAP3K1 protein (p.Lys188Asn). This variant is not present in population databases (gnomAD no frequency). This variant has not been reported in the literature in individuals affected with MAP3K1-related conditions. Invitae Evidence Modeling of protein sequence and biophysical properties (such as structural, functional, and spatial information, amino acid conservation, physicochemical variation, residue mobility, and thermodynamic stability) indicates that this missense variant is not expected to disrupt MAP3K1 protein function with a negative predictive value of 80%. In summary, the available evidence is currently insufficient to determine the role of this variant in disease. Therefore, it has been classified as a Variant of Uncertain Significance.

NM_005921.2(MAP3K1):c.564A>T (p.Lys188Asn)

Gene: MAP3K1 (mitogen-activated protein kinase kinase kinase 1; plus strand). Cytogenetic location: 5q11.2.
Variant type: single nucleotide variant.
Coding change: c.564A>T on transcript NM_005921.2 (MANE Select); coding-DNA position 564, A replaced by T.
Protein change: p.Lys188Asn; replaces lysine 188 with asparagine.
Molecular consequence: missense variant.
Genome position (GRCh38, 1-based): chr5:56,856,681, A>T. VCF-style: chr5-56856681-A-T. GRCh37 (hg19) VCF-style: chr5-56152508-A-T.
Other names: short protein forms K188N.
Identifiers: ClinVar variation 3665580 (VCV003665580.2).
Genomic context (GRCh38, chr5:56,856,681, plus strand): 5'-AACTCTCAAAGGGTTGCACAAGATGGATGATCGTCCAGAGGAACGAATGATCAGGGAGAA[A>T]CTGAAGGCAACCTGTATGCCAGCCTGGAAGCACGAATGGTTGGAAAGGAGAAATAGGCGA-3'
Protein context (NP_005912.1, residues 178-198): DRPEERMIRE[Lys188Asn]LKATCMPAWK